The following is an entry in ClinVar:

ClinVar aggregate classification (germline): Benign/Likely benign. Review status: criteria provided, multiple submitters, no conflicts (2 of 4 stars). 3 submissions from 3 submitters: Benign (2); Likely benign (1). Last evaluated 2025-09-17.

Conditions:
Polycystic liver disease 1 (PCLD1). Also called: Polycystic liver disease 1 with or without kidney cysts. Identifiers: Orphanet 2924, MedGen C0887850, MONDO:0008265, OMIM 174050.

Allele frequency attached by ClinVar (database versions not stated): gnomAD exomes 0.00002 and 0.00011; gnomAD 0.00007 and 0.00008; ESP Exome Variant Server 0.00008; ExAC 0.00009; TOPMed 0.00009.
gnomAD v4.1: 43 of 1,613,424 alleles (0.0027%); highest among the groups gnomAD compares: East Asian, 0.042%; no homozygotes.

Submissions (3):

Labcorp Genetics (formerly Invitae), Labcorp
Classification: Benign. Last evaluated: 2025-09-17. Review status: criteria provided, single submitter. Criteria: Invitae Variant Classification Sherloc (09022015). Collection method: clinical testing. Allele origin: germline.

Fulgent Genetics
Classification: Likely benign for Polycystic liver disease 1. Last evaluated: 2022-02-01. Review status: criteria provided, single submitter. Criteria: ACMG Guidelines, 2015. Collection method: clinical testing. Allele origin: unknown.

Illumina Laboratory Services, Illumina
Classification: Benign for Polycystic liver disease 1. Last evaluated: 2018-01-13. Review status: criteria provided, single submitter. Criteria: ICSL Variant Classification Criteria 13 December 2019. Collection method: clinical testing. Allele origin: germline.
Comment: This variant was observed in the ICSL laboratory as part of a predisposition screen in an ostensibly healthy population. It had not been previously curated by ICSL or reported in the Human Gene Mutation Database (HGMD: prior to June 1st, 2018), and was therefore a candidate for classification through an automated scoring system. Utilizing variant allele frequency, disease prevalence and penetrance estimates, and inheritance mode, an automated score was calculated to assess if this variant is too frequent to cause the disease. Based on the score and internal cut-off values, a variant classified as benign is not then subjected to further curation. The score for this variant resulted in a classification of benign for this disease.

NM_001289104.2(PRKCSH):c.1536G>A (p.Glu512=)

Gene: PRKCSH (PRKCSH beta subunit of glucosidase II; plus strand). Cytogenetic location: 19p13.2.
Variant type: single nucleotide variant.
Coding change: c.1536G>A on transcript NM_001289104.2 (MANE Select); coding-DNA position 1536, G replaced by A.
Protein change: p.Glu512=; no amino-acid change (glutamic acid 512 retained).
Molecular consequence: synonymous variant.
Genome position (GRCh38, 1-based): chr19:11,449,340, G>A. VCF-style: chr19-11449340-G-A. GRCh37 (hg19) VCF-style: chr19-11560155-G-A.
Other names: c.1506G>A, p.Glu502= (NM_001001329.3, NM_001289102.2, NM_001379609.1); c.1536G>A, p.Glu512= (NM_001289103.2); c.1515G>A, p.Glu505= (NM_001379608.1, NM_002743.3).
Identifiers: ClinVar variation 328196 (VCV000328196.13), dbSNP rs374970694, ClinGen allele CA9213359.